The following is an entry in ClinVar:

ClinVar aggregate classification (germline): Uncertain significance (1 of 4 stars; one submission).

Conditions:
Epidermodysplasia verruciformis. Identifiers: Orphanet 302, MedGen C0014522, MONDO:0009176.

gnomAD v4.1: 3 of 1,565,852 alleles (0.00019%); highest among the groups gnomAD compares: Non-Finnish European, 0.00026%; no homozygotes.

Submission:

Labcorp Genetics (formerly Invitae), Labcorp
Classification: Uncertain significance for Epidermodysplasia verruciformis. Last evaluated: 2020-07-20. Review status: criteria provided, single submitter. Criteria: Invitae Variant Classification Sherloc (09022015). Collection method: clinical testing. Allele origin: germline.
Comment: This variant is not present in population databases (ExAC no frequency). This sequence change replaces glutamic acid with lysine at codon 142 of the TMC6 protein (p.Glu142Lys). The glutamic acid residue is weakly conserved and there is a small physicochemical difference between glutamic acid and lysine. This variant has not been reported in the literature in individuals with TMC6-related conditions. Algorithms developed to predict the effect of missense changes on protein structure and function are either unavailable or do not agree on the potential impact of this missense change (SIFT: "Not Available"; PolyPhen-2: "Benign"; Align-GVGD: "Not Available"). In summary, the available evidence is currently insufficient to determine the role of this variant in disease. Therefore, it has been classified as a Variant of Uncertain Significance.

NM_001127198.5(TMC6):c.424G>A (p.Glu142Lys)

Gene: TMC6 (transmembrane channel like 6; minus strand). Cytogenetic location: 17q25.3.
Variant type: single nucleotide variant.
Coding change: c.424G>A on transcript NM_001127198.5 (MANE Select); coding-DNA position 424, G replaced by A.
Protein change: p.Glu142Lys; replaces glutamic acid 142 with lysine.
Molecular consequence: missense variant.
Genome position (GRCh38, 1-based): chr17:78,125,732, C>T on the plus strand (G>A on the coding strand, the complement: TMC6 is on the minus strand). VCF-style: chr17-78125732-C-T. GRCh37 (hg19) VCF-style: chr17-76121813-C-T.
Other names: c.424G>A, p.Glu142Lys (NM_001374594.1, NM_001374596.1, NM_001375353.1 and 4 more transcripts); short protein forms E142K.
Identifiers: ClinVar variation 1057013 (VCV001057013.6), dbSNP rs2145392605, ClinGen allele CA401234762.
Genomic context (GRCh38, chr17:78,125,732, plus strand): 5'-CACCCCACCCCAGGCCGGTGTCCGCCACTGGGGCTCCAGTGCCCACTCACTCACCCTCCT[C>T]CTCCAGGGCCGTGGGGTCCAGCTCCAGGTCGTACAGGCGGAGGCTGGGCCAGGCGGAGCG-3'
Protein context (NP_001120670.1, residues 132-152): DLELDPTALE[Glu142Lys]EEKQSLLVKE